The following is an entry in ClinVar:

ClinVar aggregate classification (germline): Conflicting classifications of pathogenicity. Review status: criteria provided, conflicting classifications (1 of 4 stars). 9 submissions from 9 submitters: Uncertain significance (1); Benign (2); Likely benign (5). 1 of the submissions does not count toward it. Last evaluated 2026-01-26.

Conditions:
Cardiovascular phenotype. Identifiers: MedGen CN230736.
DSC2-related disorder. Also called: DSC2-related condition.
Familial isolated arrhythmogenic right ventricular dysplasia. Identifiers: Orphanet 217656, MedGen C4274968, MONDO:0016342.
Cardiomyopathy (CMYO). Also called: Cardiomyopathies. Identifiers: Orphanet 167848, MedGen C0878544, MONDO:0004994, HP:0001638. Inheritance: Various modes of inheritance.
Arrhythmogenic right ventricular dysplasia 11. Also called: ARRHYTHMOGENIC RIGHT VENTRICULAR DYSPLASIA, FAMILIAL, 11; Arrhythmogenic Right Ventricular Dysplasia/Cardiomyopathy11; Arrhythmogenic right ventricular dysplasia 11 with mild palmoplantar keratoderma and woolly hair. Identifiers: MedGen C1864850, MONDO:0012506, OMIM 610476.

Allele frequency attached by ClinVar (database versions not stated): gnomAD 0.00011 and 0.00016; ExAC 0.00017; gnomAD exomes 0.00023; TOPMed 0.00025; 1000 Genomes Project 30x 0.00094; 1000 Genomes Project 0.00120.
gnomAD v4.1: 109 of 1,613,154 alleles (0.0068%); highest among the groups gnomAD compares: East Asian, 0.16%; no homozygotes.

Submissions (9):

Labcorp Genetics (formerly Invitae), Labcorp
Classification: Likely benign for Arrhythmogenic right ventricular dysplasia 11. Last evaluated: 2026-01-26. Review status: criteria provided, single submitter. Criteria: Invitae Variant Classification Sherloc (09022015). Collection method: clinical testing. Allele origin: germline.

Blueprint Genetics
Classification: Likely benign. Last evaluated: 2024-11-21. Review status: criteria provided, single submitter. Criteria: ACMG Guidelines, 2015. Collection method: clinical testing. Allele origin: germline.

All of Us Research Program, National Institutes of Health
Classification: Likely benign for Familial isolated arrhythmogenic right ventricular dysplasia. Last evaluated: 2024-09-23. Review status: criteria provided, single submitter. Criteria: ACMG Guidelines, 2015. Collection method: clinical testing. Allele origin: germline. Inheritance: Autosomal dominant inheritance. Observed: 19 variant alleles, 19 heterozygotes.
Comment: This study involves interpretation of variants in research participants for the purpose of population health screening. Participant phenotype was not available at the time of variant classification. Additional details can be found in publication PMID: 35346344, PMCID: PMC8962531

Ambry Genetics
Classification: Benign for Cardiovascular phenotype. Last evaluated: 2021-10-04. Review status: criteria provided, single submitter. Criteria: Ambry Variant Classification Scheme 2023. Collection method: clinical testing. Allele origin: germline.

Women's Health and Genetics/Laboratory Corporation of America, LabCorp
Classification: Benign. Last evaluated: 2021-05-12. Review status: criteria provided, single submitter. Criteria: LabCorp Variant Classification Summary - May 2015. Collection method: clinical testing. Allele origin: germline.
Comment: Variant summary: DSC2 c.1070G>A (p.Arg357His) results in a non-conservative amino acid change located in the third cadherin-like repeat (IPR002126) of the encoded protein sequence. Four of five in-silico tools predict a benign effect of the variant on protein function. The variant allele was found at a frequency of 0.00022 in 282370 control chromosomes, predominantly at a frequency of 0.0027 within the East Asian subpopulation in the gnomAD database. The observed variant frequency within East Asian control individuals in the gnomAD database is approximately 100-fold of the estimated maximal expected allele frequency for a pathogenic variant in DSC2 causing Cardiomyopathy phenotype (2.5e-05), strongly suggesting that the variant is a benign polymorphism found primarily in populations of East Asian origin. To our knowledge, no occurrence of c.1070G>A in individuals affected with Cardiomyopathy and no experimental evidence demonstrating its impact on protein function have been reported. Four other clinical diagnostic laboratories have submitted clinical-significance assessments for this variant to ClinVar after 2014 without evidence for independent evaluation, three classifying the variant as likely benign, and one calling it a VUS. Based on the evidence outlined above, the variant was classified as benign.

Color Diagnostics, LLC DBA Color Health
Classification: Likely benign for Cardiomyopathy. Last evaluated: 2018-11-13. Review status: criteria provided, single submitter. Criteria: ACMG Guidelines, 2015. Collection method: clinical testing. Allele origin: germline.

GeneDx
Classification: Likely benign. Last evaluated: 2018-03-15. Review status: criteria provided, single submitter. Criteria: GeneDx Variant Classification (06012015). Collection method: clinical testing. Allele origin: germline. Affected: yes.
Comment: This variant is considered likely benign or benign based on one or more of the following criteria: it is a conservative change, it occurs at a poorly conserved position in the protein, it is predicted to be benign by multiple in silico algorithms, and/or has population frequency not consistent with disease.

Biesecker Lab/Clinical Genomics Section, National Institutes of Health
Classification: Uncertain significance. Last evaluated: 2013-06-24. Review status: criteria provided, single submitter. Criteria: Ng et al. (Circ Cardiovasc Genet. 2013). Collection method: research. Allele origin: unknown. Observed: 1 variant allele. Study: ClinSeq.
Comment: The study set was not selected for affection status in relation to any cancer. Pathogenicity categories were based on literature curation. See Pubmed ID:23861362 for details.

Medical sequencing

PreventionGenetics, part of Exact Sciences
Classification: Likely benign for DSC2-related condition. Last evaluated: 2022-08-05. Review status: no assertion criteria provided. Collection method: clinical testing. Allele origin: germline. Not counted in ClinVar's aggregate classification.
Comment: This variant is classified as likely benign based on ACMG/AMP sequence variant interpretation guidelines (Richards et al. 2015 PMID: 25741868, with internal and published modifications).

Literature cited by the submitters: PubMed 23861362 (cited by Women's Health and Genetics/Laboratory Corporation of America, LabCorp).

NM_024422.6(DSC2):c.1070G>A (p.Arg357His)

Gene: DSC2 (desmocollin 2; minus strand). Cytogenetic location: 18q12.1.
Variant type: single nucleotide variant.
Coding change: c.1070G>A on transcript NM_024422.6 (MANE Select); coding-DNA position 1070, G replaced by A.
Protein change: p.Arg357His; replaces arginine 357 with histidine.
Molecular consequence: missense variant.
Genome position (GRCh38, 1-based): chr18:31,082,933, C>T on the plus strand (G>A on the coding strand, the complement: DSC2 is on the minus strand). VCF-style: chr18-31082933-C-T. GRCh37 (hg19) VCF-style: chr18-28662899-C-T.
Other names: p.R357H:CGT>CAT; c.1070G>A, p.Arg357His (NM_004949.5); short protein forms R357H.
Identifiers: ClinVar variation 191622 (VCV000191622.31), dbSNP rs201201194, ClinGen allele CA022389.